The following is an entry in ClinVar:

NM_032447.5(FBN3):c.6552C>T (p.Thr2184=)

Gene: FBN3 (fibrillin 3; minus strand). Cytogenetic location: 19p13.2.
Variant type: single nucleotide variant.
Coding change: c.6552C>T on transcript NM_032447.5 (MANE Select); coding-DNA position 6552, C replaced by T.
Protein change: p.Thr2184=; no amino-acid change (threonine 2184 retained).
Molecular consequence: synonymous variant.
Genome position (GRCh38, 1-based): chr19:8,087,892, G>A on the plus strand (C>T on the coding strand, the complement: FBN3 is on the minus strand). VCF-style: chr19-8087892-G-A. GRCh37 (hg19) VCF-style: chr19-8152776-G-A.
Other names: c.6552C>T, p.Thr2184= (NM_001321431.2).
Identifiers: ClinVar variation 3043737 (VCV003043737.2), dbSNP rs371683910, ClinGen allele CA9151234.

ClinVar aggregate classification (germline): Likely benign (0 of 4 stars; one submission).

Conditions:
FBN3-related disorder. Also called: FBN3-related condition.

Allele frequency attached by ClinVar (database versions not stated): ExAC 0.00002; gnomAD exomes 0.00004; TOPMed 0.00005; gnomAD 0.00007; ESP Exome Variant Server 0.00023.
gnomAD v4.1: 66 of 1,614,056 alleles (0.0041%); highest among the groups gnomAD compares: African/African-American, 0.023%; no homozygotes.

Submission:

PreventionGenetics, part of Exact Sciences
Classification: Likely benign for FBN3-related condition. Last evaluated: 2019-06-05. Review status: no assertion criteria provided. Collection method: clinical testing. Allele origin: germline.
Comment: This variant is classified as likely benign based on ACMG/AMP sequence variant interpretation guidelines (Richards et al. 2015 PMID: 25741868, with internal and published modifications).